The following is an entry in ClinVar:

ClinVar aggregate classification (germline): Conflicting classifications of pathogenicity. Review status: criteria provided, conflicting classifications (1 of 4 stars). 2 submissions from 2 submitters: Uncertain significance (1); Likely benign (1). Last evaluated 2025-06-07.

Conditions:
Inborn genetic diseases. Identifiers: MedGen C0950123, MeSH D030342.

Allele frequency attached by ClinVar (database versions not stated): gnomAD exomes below 0.00001; ExAC 0.00001; 1000 Genomes Project 0.00020; gnomAD 0.00001; 1000 Genomes Project 30x 0.00016.
gnomAD v4.1: 4 of 1,613,944 alleles (0.00025%); highest among the groups gnomAD compares: Admixed American, 0.0067%; no homozygotes.

Submissions (2):

Ambry Genetics
Classification: Likely benign for Inborn genetic diseases. Last evaluated: 2025-06-07. Review status: criteria provided, single submitter. Criteria: Ambry Variant Classification Scheme 2023. Collection method: clinical testing. Allele origin: germline.

GeneDx
Classification: Uncertain significance. Last evaluated: 2023-01-06. Review status: criteria provided, single submitter. Criteria: GeneDx Variant Classification Process June 2021. Collection method: clinical testing. Allele origin: germline. Affected: yes.
Comment: In silico analysis supports that this missense variant does not alter protein structure/function; Has not been previously published as pathogenic or benign to our knowledge

NM_001378778.1(MPDZ):c.4519A>G (p.Ile1507Val)

Gene: MPDZ (multiple PDZ domain crumbs cell polarity complex component; minus strand). Cytogenetic location: 9p23.
Variant type: single nucleotide variant.
Coding change: c.4519A>G on transcript NM_001378778.1 (MANE Select); coding-DNA position 4519, A replaced by G.
Protein change: p.Ile1507Val; replaces isoleucine 1507 with valine.
Molecular consequence: missense variant.
Genome position (GRCh38, 1-based): chr9:13,126,718, T>C on the plus strand (A>G on the coding strand, the complement: MPDZ is on the minus strand). VCF-style: chr9-13126718-T-C. GRCh37 (hg19) VCF-style: chr9-13126717-T-C.
Other names: c.4420A>G, p.Ile1474Val (NM_001261406.2, NM_001261407.2, NM_001375416.1 and 3 more transcripts); c.4519A>G, p.Ile1507Val (NM_001330637.2, NM_003829.5); c.4618A>G, p.Ile1540Val (NM_001375413.1); c.4309A>G, p.Ile1437Val (NM_001375420.1, NM_001375421.1, NM_001375422.1 and 4 more transcripts); c.4111A>G, p.Ile1371Val (NM_001375427.1); c.4519A>G (NM_003829.3); short protein forms I1371V, I1437V, I1474V, I1507V, I1540V.
Identifiers: ClinVar variation 1704991 (VCV001704991.3), dbSNP rs559458534, ClinGen allele CA4986667.
Genomic context (GRCh38, chr9:13,126,718, plus strand): 5'-CAGCAAGAAAGGTAAACCTCACCGTGGCTGCTACCCCATGCTCTGTTAAGCTCTTTATGA[T>C]GACTCCACTGAGTGTATCTTCTTCGCTGATAGCAATACCCAAACCCCCCTGATCCTAGAA-3'
Protein context (NP_001365707.1, residues 1497-1517): ISEEDTLSGV[Ile1507Val]IKSLTEHGVA